The following is an entry in ClinVar:

NM_000702.4(ATP1A2):c.2275G>A (p.Val759Met)

Gene: ATP1A2 (ATPase Na+/K+ transporting subunit alpha 2; plus strand). Cytogenetic location: 1q23.2.
Variant type: single nucleotide variant.
Coding change: c.2275G>A on transcript NM_000702.4 (MANE Select); coding-DNA position 2275, G replaced by A.
Protein change: p.Val759Met; replaces valine 759 with methionine.
Molecular consequence: missense variant.
Genome position (GRCh38, 1-based): chr1:160,135,593, G>A. VCF-style: chr1-160135593-G-A. GRCh37 (hg19) VCF-style: chr1-160105383-G-A.
Other names: short protein forms V759M.
Identifiers: ClinVar variation 1804348 (VCV001804348.2), dbSNP rs1553245779, ClinGen allele CA343249639.

ClinVar aggregate classification (germline): Uncertain significance (1 of 4 stars; one submission).

Submission:

GeneDx
Classification: Uncertain significance. Last evaluated: 2024-02-07. Review status: criteria provided, single submitter. Criteria: GeneDx Variant Classification Process June 2021. Collection method: clinical testing. Allele origin: germline.
Comment: Not observed at significant frequency in large population cohorts (gnomAD); In silico analysis supports that this missense variant does not alter protein structure/function; Has not been previously published as pathogenic or benign to our knowledge; This variant is associated with the following publications: (PMID: 18184292)